The following is an entry in ClinVar:

ClinVar aggregate classification (germline): Uncertain significance (1 of 4 stars; one submission).

Submission:

Labcorp Genetics (formerly Invitae), Labcorp
Classification: Uncertain significance. Last evaluated: 2021-09-14. Review status: criteria provided, single submitter. Criteria: Invitae Variant Classification Sherloc (09022015). Collection method: clinical testing. Allele origin: germline.
Comment: In summary, the available evidence is currently insufficient to determine the role of this variant in disease. Therefore, it has been classified as a Variant of Uncertain Significance. Algorithms developed to predict the effect of missense changes on protein structure and function (SIFT, PolyPhen-2, Align-GVGD) all suggest that this variant is likely to be disruptive. This variant has not been reported in the literature in individuals affected with CACNA1D-related conditions. This variant is not present in population databases (ExAC no frequency). This sequence change replaces leucine with serine at codon 1242 of the CACNA1D protein (p.Leu1242Ser). The leucine residue is highly conserved and there is a large physicochemical difference between leucine and serine.

NM_001128840.3(CACNA1D):c.3665T>C (p.Leu1222Ser)

Gene: CACNA1D (calcium voltage-gated channel subunit alpha1 D; plus strand). Cytogenetic location: 3p21.1.
Variant type: single nucleotide variant.
Coding change: c.3665T>C on transcript NM_001128840.3 (MANE Select); coding-DNA position 3665, T replaced by C.
Protein change: p.Leu1222Ser; replaces leucine 1222 with serine.
Molecular consequence: missense variant.
Genome position (GRCh38, 1-based): chr3:53,751,897, T>C. VCF-style: chr3-53751897-T-C. GRCh37 (hg19) VCF-style: chr3-53785924-T-C.
Other names: c.3725T>C, p.Leu1242Ser (NM_000720.4); c.3665T>C, p.Leu1222Ser (NM_001128839.3); short protein forms L1242S, L1222S.
Identifiers: ClinVar variation 1381037 (VCV001381037.6), dbSNP rs2108881522, ClinGen allele CA353250977.